The following is an entry in ClinVar:

NM_152722.5(HEPACAM):c.413A>G (p.Asn138Ser)

Gene: HEPACAM (hepatic and glial cell adhesion molecule; minus strand). Cytogenetic location: 11q24.2.
Variant type: single nucleotide variant.
Coding change: c.413A>G on transcript NM_152722.5 (MANE Select); coding-DNA position 413, A replaced by G.
Protein change: p.Asn138Ser; replaces asparagine 138 with serine.
Molecular consequence: missense variant.
Genome position (GRCh38, 1-based): chr11:124,924,742, T>C on the plus strand (A>G on the coding strand, the complement: HEPACAM is on the minus strand). VCF-style: chr11-124924742-T-C. GRCh37 (hg19) VCF-style: chr11-124794638-T-C.
Other names: c.413A>G, p.Asn138Ser (NM_001411043.1); short protein forms N138S.
Identifiers: ClinVar variation 2499246 (VCV002499246.1), dbSNP rs1467176075, ClinGen allele CA383142724.

ClinVar aggregate classification (germline): Uncertain significance (1 of 4 stars; one submission).

Allele frequency attached by ClinVar (database versions not stated): TOPMed below 0.00001.

Submission:

GeneDx
Classification: Uncertain significance. Last evaluated: 2022-10-17. Review status: criteria provided, single submitter. Criteria: GeneDx Variant Classification Process June 2021. Collection method: clinical testing. Allele origin: germline. Affected: yes.
Comment: Reported in a patient with congenital heart defects in the published literature who also had a variant in another gene that may have been responsible for the phenotype (Edwards et al., 2020); Not observed at significant frequency in large population cohorts (gnomAD); In silico analysis supports that this missense variant does not alter protein structure/function; This variant is associated with the following publications: (PMID: 32368696)